The following is an entry in ClinVar:

NM_020937.4(FANCM):c.211G>C (p.Glu71Gln)

Gene: FANCM (FA complementation group M; plus strand). Cytogenetic location: 14q21.2.
Variant type: single nucleotide variant.
Coding change: c.211G>C on transcript NM_020937.4 (MANE Select); coding-DNA position 211, G replaced by C.
Protein change: p.Glu71Gln; replaces glutamic acid 71 with glutamine.
Molecular consequence: missense variant.
Genome position (GRCh38, 1-based): chr14:45,136,242, G>C. VCF-style: chr14-45136242-G-C. GRCh37 (hg19) VCF-style: chr14-45605445-G-C.
Other names: c.211G>C, p.Glu71Gln (NM_001308133.2, NM_001308134.2); short protein forms E71Q.
Identifiers: ClinVar variation 3512987 (VCV003512987.1).

ClinVar aggregate classification (germline): Uncertain significance (1 of 4 stars; one submission).

Conditions:
Inborn genetic diseases. Identifiers: MedGen C0950123, MeSH D030342.

gnomAD v4.1: 1 of 1,614,162 alleles (0.000062%); highest among the groups gnomAD compares: Non-Finnish European, 0.000085%; no homozygotes.

Submission:

Ambry Genetics
Classification: Uncertain significance for Inborn genetic diseases. Last evaluated: 2024-12-08. Review status: criteria provided, single submitter. Criteria: Ambry Variant Classification Scheme 2023. Collection method: clinical testing. Allele origin: germline.
Comment: The p.E71Q variant (also known as c.211G>C), located in coding exon 1 of the FANCM gene, results from a G to C substitution at nucleotide position 211. The glutamic acid at codon 71 is replaced by glutamine, an amino acid with highly similar properties. This amino acid position is conserved. In addition, this alteration is predicted to be tolerated by in silico analysis. Based on the available evidence, the clinical significance of this variant remains unclear.